The following is an entry in ClinVar:

NM_012123.4(MTO1):c.166G>C (p.Ala56Pro)

Gene: MTO1 (mitochondrial tRNA translation optimization 1; plus strand). Cytogenetic location: 6q13.
Variant type: single nucleotide variant.
Coding change: c.166G>C on transcript NM_012123.4 (MANE Select); coding-DNA position 166, G replaced by C.
Protein change: p.Ala56Pro; replaces alanine 56 with proline.
Molecular consequence: missense variant.
Genome position (GRCh38, 1-based): chr6:73,462,020, G>C. VCF-style: chr6-73462020-G-C. GRCh37 (hg19) VCF-style: chr6-74171743-G-C.
Other names: c.166G>C, p.Ala56Pro (NM_001123226.2, NM_133645.3); short protein forms A56P.
Identifiers: ClinVar variation 3342812 (VCV003342812.1).

ClinVar aggregate classification (germline): Uncertain significance (1 of 4 stars; one submission).

gnomAD v4.1: 1 of 1,614,032 alleles (0.000062%); highest among the groups gnomAD compares: Non-Finnish European, 0.000085%; no homozygotes.

Submission:

GeneDx
Classification: Uncertain significance. Last evaluated: 2024-03-22. Review status: criteria provided, single submitter. Criteria: GeneDx Variant Classification Process June 2021. Collection method: clinical testing. Allele origin: germline. Affected: yes.
Comment: Not observed at significant frequency in large population cohorts (gnomAD); In silico analysis supports that this missense variant has a deleterious effect on protein structure/function; Has not been previously published as pathogenic or benign to our knowledge